The following is an entry in ClinVar:

ClinVar aggregate classification (germline): Pathogenic/Likely pathogenic. Review status: criteria provided, multiple submitters, no conflicts (2 of 4 stars). 7 submissions from 7 submitters: Pathogenic (3); Likely pathogenic (3). 1 of the submissions does not count toward it. Last evaluated 2026-09-22.

Conditions:
Joubert syndrome 7 (JBTS7). Identifiers: Orphanet 220497, MedGen C1969053, MONDO:0012694, OMIM 611560.
COACH syndrome 3. Identifiers: MedGen C5436841, MONDO:0030862, OMIM 619113.
Meckel syndrome, type 5 (MKS5). Identifiers: Orphanet 564, MedGen C1969052, MONDO:0012695, OMIM 611561.
Joubert syndrome. Also called: JOUBERT-BOLTSHAUSER SYNDROME; Familial aplasia of the vermis. Identifiers: Orphanet 475, MedGen C5979921, MONDO:0018772.
Meckel-Gruber syndrome. Also called: DYSENCEPHALIA SPLANCHNOCYSTICA; GRUBER SYNDROME; Dysencephalia splachnocystica. Identifiers: Orphanet 564, MedGen C0265215, MONDO:0018921.
Fetal anomalies with a likely genetic cause.
RPGRIP1L-related disorder. Also called: RPGRIP1L-related disorders; RPGRIP1L-related condition. Identifiers: MedGen CN239416.

Allele frequency attached by ClinVar (database versions not stated): gnomAD exomes 0.00001 and below 0.00001; TOPMed 0.00001.
gnomAD v4.1: 12 of 1,613,696 alleles (0.00074%); highest among the groups gnomAD compares: Non-Finnish European, 0.00093%; no homozygotes.

Submissions (7):

Genetics Laboratory, Great Ormond Street Hospital NHS Foundation Trust, North Thames Genomic Laboratory Hub
Classification: Pathogenic for Fetal anomalies with a likely genetic cause. Last evaluated: 2026-09-22. Review status: criteria provided, single submitter. Criteria: ACGS Best Practice Guidelines for Variant Classification in Rare Disease 2024 v1.2. Collection method: clinical testing. Allele origin: germline. Affected: yes.
Comment: PM2_moderate, PVS1_very-strong

Natera, Inc.
Classification: Likely pathogenic for Joubert syndrome. Last evaluated: 2025-11-29. Review status: criteria provided, single submitter. Criteria: Natera Variant Classification Schema (03/2026). Collection method: clinical testing. Allele origin: germline.
Comment: The c.2125C>T variant in RPGRIP1L is a nonsense variant predicted to introduce a stop codon at amino acid 709. This variant is expected to result in nonsense mediated decay, truncation, or a dysfunctional protein product. This variant is rare in the general population with a frequency below the threshold expected for the associated phenotype(s). Given the available evidence, this variant is classified as Likely Pathogenic.

Dasa
Classification: Likely pathogenic. Last evaluated: 2025-11-11. Review status: criteria provided, single submitter. Criteria: DASA Assertion Criteria. Collection method: clinical testing. Allele origin: germline.
Comment: NM_015272.5(RPGRIP1L):c.2125C>T (p.Arg709*) is a nonsense variant in RPGRIP1L predicted to introduce a premature termination codon and is predicted to result in an absent or altered protein product. Loss of function is an established disease mechanism for RPGRIP1L-associated disorders. Also, this variant is rare in population databases. Based on the currently available evidence, this variant is classified as likely pathogenic.

Labcorp Genetics (formerly Invitae), Labcorp
Classification: Pathogenic for Joubert syndrome; Meckel-Gruber syndrome. Last evaluated: 2023-07-07. Review status: criteria provided, single submitter. Criteria: Invitae Variant Classification Sherloc (09022015). Collection method: clinical testing. Allele origin: germline.
Comment: This sequence change creates a premature translational stop signal (p.Arg709*) in the RPGRIP1L gene. It is expected to result in an absent or disrupted protein product. Loss-of-function variants in RPGRIP1L are known to be pathogenic (PMID: 17558409). The frequency data for this variant in the population databases is considered unreliable, as metrics indicate poor data quality at this position in the gnomAD database. This variant has not been reported in the literature in individuals affected with RPGRIP1L-related conditions. ClinVar contains an entry for this variant (Variation ID: 596520). For these reasons, this variant has been classified as Pathogenic.

Fulgent Genetics
Classification: Likely pathogenic for Joubert syndrome 7; Meckel syndrome, type 5; COACH syndrome 3. Last evaluated: 2022-02-01. Review status: criteria provided, single submitter. Criteria: ACMG Guidelines, 2015. Collection method: clinical testing. Allele origin: unknown.

Eurofins Ntd Llc (ga)
Classification: Pathogenic. Last evaluated: 2018-03-15. Review status: criteria provided, single submitter. Criteria: EGL ClinVar v180209 classification definitions. Collection method: clinical testing. Allele origin: germline. Observed: 1 variant allele, 1 heterozygote.

PreventionGenetics, part of Exact Sciences
Classification: Likely pathogenic for RPGRIP1L-related condition. Last evaluated: 2023-12-21. Review status: no assertion criteria provided. Collection method: clinical testing. Allele origin: germline. Not counted in ClinVar's aggregate classification.
Comment: The RPGRIP1L c.2125C>T variant is predicted to result in premature protein termination (p.Arg709*). To our knowledge, this variant has not been reported in the literature. This variant is reported in 0.00088% of alleles in individuals of European (Non-Finnish) descent in gnomAD. Nonsense variants in RPGRIP1L are expected to be pathogenic. This variant is interpreted as likely pathogenic.

Literature cited by the submitters: PubMed 17558409 (cited by Labcorp Genetics (formerly Invitae), Labcorp).

NM_015272.5(RPGRIP1L):c.2125C>T (p.Arg709Ter)

Gene: RPGRIP1L (RPGRIP1 like; minus strand). Cytogenetic location: 16q12.2.
Variant type: single nucleotide variant.
Coding change: c.2125C>T on transcript NM_015272.5 (MANE Select); coding-DNA position 2125, C replaced by T.
Protein change: p.Arg709Ter; replaces arginine 709 with a stop codon.
Molecular consequence: nonsense.
Genome position (GRCh38, 1-based): chr16:53,652,562, G>A on the plus strand (C>T on the coding strand, the complement: RPGRIP1L is on the minus strand). VCF-style: chr16-53652562-G-A. GRCh37 (hg19) VCF-style: chr16-53686474-G-A.
Other names: c.2125C>T, p.Arg709Ter (NM_001127897.4, NM_001308334.3, NM_001330538.2); c.2125C>T (NM_015272.4); short protein forms R709*.
Identifiers: ClinVar variation 596520 (VCV000596520.21), dbSNP rs1037406858, ClinGen allele CA281343836.
Genomic context (GRCh38, chr16:53,652,562, plus strand): 5'-TTCAAACACCCAAGGCTTATACATTGTACTTACCAATCAAACTTGCTGTACAAAATATTC[G>A]GCCGCTTTTTTCAAGAATTTCGTGAAATTTTAATTGACATGCTGCAATTGTTTCATATTC-3'